The following is an entry in ClinVar:

ClinVar aggregate classification (germline): Benign. Review status: criteria provided, single submitter (1 of 4 stars). 2 submissions from 2 submitters: Benign (1). 1 of the submissions does not count toward it. Last evaluated 2019-12-31.

Conditions:
DNHD1-related disorder. Also called: DNHD1-related condition.

Allele frequency attached by ClinVar (database versions not stated): gnomAD exomes 0.00038 and 0.00070; ExAC 0.00113; ESP Exome Variant Server 0.00241; gnomAD 0.00292 and 0.00307; TOPMed 0.00356; 1000 Genomes Project 0.00379; 1000 Genomes Project 30x 0.00453.
gnomAD v4.1: 995 of 1,550,858 alleles (0.064%); highest among the groups gnomAD compares: African/African-American, 1.1%; 8 homozygotes.

Submissions (2):

Labcorp Genetics (formerly Invitae), Labcorp
Classification: Benign. Last evaluated: 2019-12-31. Review status: criteria provided, single submitter. Criteria: Invitae Variant Classification Sherloc (09022015). Collection method: clinical testing. Allele origin: germline.

PreventionGenetics, part of Exact Sciences
Classification: Benign for DNHD1-related condition. Last evaluated: 2019-10-28. Review status: no assertion criteria provided. Collection method: clinical testing. Allele origin: germline. Not counted in ClinVar's aggregate classification.
Comment: This variant is classified as benign based on ACMG/AMP sequence variant interpretation guidelines (Richards et al. 2015 PMID: 25741868, with internal and published modifications).

NM_144666.3(DNHD1):c.6624G>A (p.Gln2208=)

Gene: DNHD1 (dynein heavy chain domain 1; plus strand). Cytogenetic location: 11p15.4.
Variant type: single nucleotide variant.
Coding change: c.6624G>A on transcript NM_144666.3 (MANE Select); coding-DNA position 6624, G replaced by A.
Protein change: p.Gln2208=; no amino-acid change (glutamine 2208 retained).
Molecular consequence: synonymous variant.
Genome position (GRCh38, 1-based): chr11:6,547,563, G>A. VCF-style: chr11-6547563-G-A. GRCh37 (hg19) VCF-style: chr11-6568793-G-A.
Identifiers: ClinVar variation 709450 (VCV000709450.6), dbSNP rs181755942, ClinGen allele CA5856151.